The following is an entry in ClinVar:

NM_024642.5(GALNT12):c.975G>A (p.Leu325=)

Gene: GALNT12 (polypeptide N-acetylgalactosaminyltransferase 12; plus strand). Cytogenetic location: 9q22.33.
Variant type: single nucleotide variant.
Coding change: c.975G>A on transcript NM_024642.5 (MANE Select); coding-DNA position 975, G replaced by A.
Protein change: p.Leu325=; no amino-acid change (leucine 325 retained).
Molecular consequence: synonymous variant.
Genome position (GRCh38, 1-based): chr9:98,835,306, G>A. VCF-style: chr9-98835306-G-A. GRCh37 (hg19) VCF-style: chr9-101597588-G-A.
Identifiers: ClinVar variation 416220 (VCV000416220.19), dbSNP rs140471094, ClinGen allele CA5154126.

ClinVar aggregate classification (germline): Conflicting classifications of pathogenicity. Review status: criteria provided, conflicting classifications (1 of 4 stars). 6 submissions from 6 submitters: Uncertain significance (1); Benign (2); Likely benign (3). Last evaluated 2026-04-24.

Conditions:
Colorectal cancer, susceptibility to, 1. Also called: COLORECTAL ADENOMA AND CANCER, SUSCEPTIBILITY TO; COLORECTAL CANCER, SUSCEPTIBILITY TO, ON CHROMOSOME 9. Identifiers: MedGen C1837315, MONDO:0012132, OMIM 608812.

Allele frequency attached by ClinVar (database versions not stated): ESP Exome Variant Server 0.00008; TOPMed 0.00012; gnomAD 0.00015 and 0.00017; ExAC 0.00016; gnomAD exomes 0.00025.
gnomAD v4.1: 296 of 1,614,060 alleles (0.018%); highest among the groups gnomAD compares: South Asian, 0.076%; 1 homozygote.

Submissions (6):

Myriad Genetics, Inc.
Classification: Benign for Colorectal cancer, susceptibility to, 1. Last evaluated: 2026-04-24. Review status: criteria provided, single submitter. Criteria: Myriad Autosomal Dominant, Autosomal Recessive and X-Linked Classification Criteria (2023). Collection method: clinical testing. Allele origin: unknown.
Comment: This variant is considered benign. This variant is a silent/synonymous amino acid change and it is not expected to impact splicing.

Labcorp Genetics (formerly Invitae), Labcorp
Classification: Likely benign. Last evaluated: 2025-12-30. Review status: criteria provided, single submitter. Criteria: Invitae Variant Classification Sherloc (09022015). Collection method: clinical testing. Allele origin: germline.

Blueprint Genetics
Classification: Likely benign. Last evaluated: 2024-11-20. Review status: criteria provided, single submitter. Criteria: ACMG Guidelines, 2015. Collection method: clinical testing. Allele origin: germline.

Quest Diagnostics Nichols Institute San Juan Capistrano
Classification: Benign. Last evaluated: 2023-01-03. Review status: criteria provided, single submitter. Criteria: Quest Diagnostics criteria. Collection method: clinical testing. Allele origin: unknown.

Department of Pathology and Laboratory Medicine, Sinai Health System
Classification: Uncertain significance for Colorectal cancer, susceptibility to, 1. Last evaluated: 2022-09-19. Review status: criteria provided, single submitter. Criteria: ACMG Guidelines, 2015. Collection method: clinical testing. Allele origin: germline. Affected: yes.

Ambry Genetics
Classification: Likely benign. Last evaluated: 2017-04-12. Review status: criteria provided, single submitter. Criteria: Ambry Variant Classification Scheme 2023. Collection method: clinical testing. Allele origin: germline.